The following is an entry in ClinVar:

NM_000444.6(PHEX):c.2249A>T (p.Ter750Leu)

Genes: PHEX (phosphate regulating endopeptidase X-linked; plus strand), PTCHD1-AS (PTCHD1 and PHEX antisense RNA; minus strand). Cytogenetic location: Xp22.11.
Variant type: single nucleotide variant.
Coding change: c.2249A>T on transcript NM_000444.6 (MANE Select); coding-DNA position 2249, A replaced by T.
Protein change: p.Ter750Leu.
Molecular consequence: stop lost. On other transcripts: 3 prime UTR variant (1).
Genome position (GRCh38, 1-based): chrX:22,247,952, A>T. VCF-style: chrX-22247952-A-T. GRCh37 (hg19) VCF-style: chrX-22266069-A-T.
Other names: c.*84A>T (NM_001282754.2).
Identifiers: ClinVar variation 1068102 (VCV001068102.9), dbSNP rs1602442871, ClinGen allele CA412575578.
Genomic context (GRCh38, chrX:22,247,952, plus strand): 5'-CTTTTAACTGTCCACCCAATTCCACGATGAACAGAGGCATGGACTCCTGCCGACTCTGGT[A>T]GCTGGGACGCTGGTTTATGGCATCCTGAGACAGTTGCACAGTGCCAGCGGAGGCTGCACT-3'

ClinVar aggregate classification (germline): Likely pathogenic (1 of 4 stars; one submission).

Submission:

Labcorp Genetics (formerly Invitae), Labcorp
Classification: Likely pathogenic. Last evaluated: 2020-11-05. Review status: criteria provided, single submitter. Criteria: Invitae Variant Classification Sherloc (09022015). Collection method: clinical testing. Allele origin: germline.
Comment: This sequence change disrupts the translational stop signal of the PHEX mRNA. It is expected to extend the length of the PHEX protein by 9 additional amino acid residues. This variant is not present in population databases (ExAC no frequency). This variant has been observed in individual(s) with hypophsophatemia (PMID: 21050253, Invitae). This variant results in an extension of the PHEX protein. Other variant(s) that result in a similarly extended protein product (p.*750Tyrext*9) have been determined to be pathogenic (PMID: 26051471). This suggests that these extensions are likely to be causative of disease. In summary, the currently available evidence indicates that the variant is pathogenic, but additional data are needed to prove that conclusively. Therefore, this variant has been classified as Likely Pathogenic.

Literature cited by the submitters: PubMed 21050253; PubMed 26051471.